The following is an entry in ClinVar:

ClinVar aggregate classification (germline): Uncertain significance. Review status: criteria provided, multiple submitters, no conflicts (2 of 4 stars). 2 submissions from 2 submitters: Uncertain significance (2). Last evaluated 2025-11-13.

Conditions:
Inborn genetic diseases. Identifiers: MedGen C0950123, MeSH D030342.
Pitt-Hopkins-like syndrome 2 (PTHSL2). Identifiers: Orphanet 221150, Orphanet 600663, MedGen C3280479, MONDO:0013690, OMIM 614325.

gnomAD v4.1: 2 of 1,613,098 alleles (0.00012%); highest among the groups gnomAD compares: African/African-American, 0.0013%; no homozygotes.

Submissions (2):

Labcorp Genetics (formerly Invitae), Labcorp
Classification: Uncertain significance for Pitt-Hopkins-like syndrome 2. Last evaluated: 2025-11-13. Review status: criteria provided, single submitter. Criteria: Invitae Variant Classification Sherloc (09022015). Collection method: clinical testing. Allele origin: germline.
Comment: This sequence change replaces lysine, which is basic and polar, with arginine, which is basic and polar, at codon 141 of the NRXN1 protein (p.Lys141Arg). This variant is present in population databases (no rsID available, gnomAD 0.01%). This variant has not been reported in the literature in individuals affected with NRXN1-related conditions. ClinVar contains an entry for this variant (Variation ID: 4122909). An algorithm developed to predict the effect of missense changes on protein structure and function (PolyPhen-2) suggests that this variant is likely to be tolerated. In summary, the available evidence is currently insufficient to determine the role of this variant in disease. Therefore, it has been classified as a Variant of Uncertain Significance.

Ambry Genetics
Classification: Uncertain significance for Inborn genetic diseases. Last evaluated: 2025-09-10. Review status: criteria provided, single submitter. Criteria: Ambry Variant Classification Scheme 2023. Collection method: clinical testing. Allele origin: germline.

NM_001330078.2(NRXN1):c.422A>G (p.Lys141Arg)

Gene: NRXN1 (neurexin 1; minus strand). Cytogenetic location: 2p16.3.
Variant type: single nucleotide variant.
Coding change: c.422A>G on transcript NM_001330078.2 (MANE Select); coding-DNA position 422, A replaced by G.
Protein change: p.Lys141Arg; replaces lysine 141 with arginine.
Molecular consequence: missense variant.
Genome position (GRCh38, 1-based): chr2:51,027,852, T>C on the plus strand (A>G on the coding strand, the complement: NRXN1 is on the minus strand). VCF-style: chr2-51027852-T-C. GRCh37 (hg19) VCF-style: chr2-51254990-T-C.
Other names: c.422A>G, p.Lys141Arg (NM_001135659.3, NM_001330077.2, NM_001330079.2 and 15 more transcripts); short protein forms K141R.
Identifiers: ClinVar variation 4122909 (VCV004122909.2).
Genomic context (GRCh38, chr2:51,027,852, plus strand): 5'-TCCGGGGGCAGCCCCCCGACGAAAAGGCCGCTGAACACCGTCATGTCCCTGCGCTTGGAC[T>C]TGACCTCCACCCACTTGGCCTCCACCTGGTCGATGAAGAGCGTGGTGTTGCGGAACTGGC-3'
Protein context (NP_001317007.1, residues 131-151): DQVEAKWVEV[Lys141Arg]SKRRDMTVFS